The following is an entry in ClinVar:

NM_152722.5(HEPACAM):c.1197C>T (p.Gly399=)

Gene: HEPACAM (hepatic and glial cell adhesion molecule; minus strand). Cytogenetic location: 11q24.2.
Variant type: single nucleotide variant.
Coding change: c.1197C>T on transcript NM_152722.5 (MANE Select); coding-DNA position 1197, C replaced by T.
Protein change: p.Gly399=; no amino-acid change (glycine 399 retained).
Molecular consequence: synonymous variant.
Genome position (GRCh38, 1-based): chr11:124,921,192, G>A on the plus strand (C>T on the coding strand, the complement: HEPACAM is on the minus strand). VCF-style: chr11-124921192-G-A. GRCh37 (hg19) VCF-style: chr11-124791088-G-A.
Identifiers: ClinVar variation 389281 (VCV000389281.1), dbSNP rs768046807, ClinGen allele CA16606266.

ClinVar aggregate classification (germline): Likely benign (1 of 4 stars; one submission).

gnomAD v4.1: 2 of 1,519,950 alleles (0.00013%); highest among the groups gnomAD compares: Non-Finnish European, 0.00018%; no homozygotes.

Submission:

GeneDx
Classification: Likely benign. Last evaluated: 2016-09-28. Review status: criteria provided, single submitter. Criteria: GeneDx Variant Classification (06012015). Collection method: clinical testing. Allele origin: germline. Affected: yes.
Comment: This variant is considered likely benign or benign based on one or more of the following criteria: it is a conservative change, it occurs at a poorly conserved position in the protein, it is predicted to be benign by multiple in silico algorithms, and/or has population frequency not consistent with disease.